The following is an entry in ClinVar:

NM_031220.4(PITPNM3):c.1583C>T (p.Ser528Leu)

Gene: PITPNM3 (PITPNM family member 3; minus strand). Cytogenetic location: 17p13.2.
Variant type: single nucleotide variant.
Coding change: c.1583C>T on transcript NM_031220.4 (MANE Select); coding-DNA position 1583, C replaced by T.
Protein change: p.Ser528Leu; replaces serine 528 with leucine.
Molecular consequence: missense variant.
Genome position (GRCh38, 1-based): chr17:6,471,202, G>A on the plus strand (C>T on the coding strand, the complement: PITPNM3 is on the minus strand). VCF-style: chr17-6471202-G-A. GRCh37 (hg19) VCF-style: chr17-6374522-G-A.
Other names: c.1475C>T, p.Ser492Leu (NM_001165966.2); c.1583C>T (NM_031220.3); short protein forms S492L, S528L.
Identifiers: ClinVar variation 1507233 (VCV001507233.7), dbSNP rs754230203, ClinGen allele CA8329467.

ClinVar aggregate classification (germline): Uncertain significance. Review status: criteria provided, multiple submitters, no conflicts (2 of 4 stars). 2 submissions from 2 submitters: Uncertain significance (2). Last evaluated 2025-08-21.

Allele frequency attached by ClinVar (database versions not stated): TOPMed below 0.00001; gnomAD 0.00001; gnomAD exomes 0.00002; ExAC 0.00003.
gnomAD v4.1: 34 of 1,613,058 alleles (0.0021%); highest among the groups gnomAD compares: South Asian, 0.0033%; no homozygotes.

Submissions (2):

Ambry Genetics
Classification: Uncertain significance. Last evaluated: 2025-08-21. Review status: criteria provided, single submitter. Criteria: Ambry Variant Classification Scheme 2023. Collection method: clinical testing. Allele origin: germline.

Labcorp Genetics (formerly Invitae), Labcorp
Classification: Uncertain significance. Last evaluated: 2024-02-26. Review status: criteria provided, single submitter. Criteria: Invitae Variant Classification Sherloc (09022015). Collection method: clinical testing. Allele origin: germline.
Comment: This sequence change replaces serine, which is neutral and polar, with leucine, which is neutral and non-polar, at codon 528 of the PITPNM3 protein (p.Ser528Leu). This variant is present in population databases (rs754230203, gnomAD 0.01%). This variant has not been reported in the literature in individuals affected with PITPNM3-related conditions. ClinVar contains an entry for this variant (Variation ID: 1507233). Advanced modeling of protein sequence and biophysical properties (such as structural, functional, and spatial information, amino acid conservation, physicochemical variation, residue mobility, and thermodynamic stability) performed at Invitae indicates that this missense variant is not expected to disrupt PITPNM3 protein function with a negative predictive value of 80%. In summary, the available evidence is currently insufficient to determine the role of this variant in disease. Therefore, it has been classified as a Variant of Uncertain Significance.